The following is an entry in ClinVar:

ClinVar aggregate classification (germline): Uncertain significance (1 of 4 stars; one submission).

Conditions:
Leukocyte adhesion deficiency 1 (LAD1). Also called: LEUKOCYTE ADHESION DEFICIENCY, TYPE I; LAD 1; Lymphocyte function-associated antigen 1 immunodeficiency; LFA 1 immunodeficiency. Identifiers: Orphanet 2968, Orphanet 99842, MedGen C0398738, MONDO:0007293, OMIM 116920.

Allele frequency attached by ClinVar (database versions not stated): TOPMed 0.00001.
gnomAD v4.1: 5 of 1,607,562 alleles (0.00031%); highest among the groups gnomAD compares: Non-Finnish European, 0.00042%; no homozygotes.

Submission:

Labcorp Genetics (formerly Invitae), Labcorp
Classification: Uncertain significance for Leukocyte adhesion deficiency 1. Last evaluated: 2019-07-02. Review status: criteria provided, single submitter. Criteria: Invitae Variant Classification Sherloc (09022015). Collection method: clinical testing. Allele origin: germline.
Comment: Algorithms developed to predict the effect of missense changes on protein structure and function are either unavailable or do not agree on the potential impact of this missense change (SIFT: "Tolerated"; PolyPhen-2: "Probably Damaging"; Align-GVGD: "Class C15"). In summary, the available evidence is currently insufficient to determine the role of this variant in disease. Therefore, it has been classified as a Variant of Uncertain Significance. This variant has not been reported in the literature in individuals with ITGB2-related conditions. This sequence change replaces arginine with proline at codon 693 of the ITGB2 protein (p.Arg693Pro). The arginine residue is moderately conserved and there is a moderate physicochemical difference between arginine and proline. This variant is present in population databases (rs200335681, ExAC 0.009%).

NM_000211.5(ITGB2):c.2078G>C (p.Arg693Pro)

Gene: ITGB2 (integrin subunit beta 2; minus strand). Cytogenetic location: 21q22.3.
Variant type: single nucleotide variant.
Coding change: c.2078G>C on transcript NM_000211.5 (MANE Select); coding-DNA position 2078, G replaced by C.
Protein change: p.Arg693Pro; replaces arginine 693 with proline.
Molecular consequence: missense variant.
Genome position (GRCh38, 1-based): chr21:44,888,695, C>G on the plus strand (G>C on the coding strand, the complement: ITGB2 is on the minus strand). VCF-style: chr21-44888695-C-G. GRCh37 (hg19) VCF-style: chr21-46308610-C-G.
Other names: c.2078G>C, p.Arg693Pro (NM_001127491.3); c.1871G>C, p.Arg624Pro (NM_001303238.2); short protein forms R624P, R693P.
Identifiers: ClinVar variation 944518 (VCV000944518.10), dbSNP rs200335681, ClinGen allele CA10062594.